The following is an entry in ClinVar:

NM_001298.3(CNGA3):c.1520A>T (p.Asp507Val)

Gene: CNGA3 (cyclic nucleotide gated channel subunit alpha 3; plus strand). Cytogenetic location: 2q11.2.
Variant type: single nucleotide variant.
Coding change: c.1520A>T on transcript NM_001298.3 (MANE Select); coding-DNA position 1520, A replaced by T.
Protein change: p.Asp507Val; replaces aspartic acid 507 with valine.
Molecular consequence: missense variant.
Genome position (GRCh38, 1-based): chr2:98,396,690, A>T. VCF-style: chr2-98396690-A-T. GRCh37 (hg19) VCF-style: chr2-99013153-A-T.
Other names: c.1466A>T, p.Asp489Val (NM_001079878.2); short protein forms D489V, D507V.
Identifiers: ClinVar variation 1284417 (VCV001284417.8), dbSNP rs778000601, ClinGen allele CA1794024.
Genomic context (GRCh38, chr2:98,396,690, plus strand): 5'-AGGCAGGGCTGCTGGTGGAGCTGGTGCTGAAGCTGCGACCCACTGTGTTCAGCCCTGGGG[A>T]TTATATCTGCAAGAAGGGAGATATTGGGAAGGAGATGTACATCATCAACGAGGGCAAGCT-3'
Protein context (NP_001289.1, residues 497-517): KLRPTVFSPG[Asp507Val]YICKKGDIGK

ClinVar aggregate classification (germline): Uncertain significance. Review status: criteria provided, single submitter (1 of 4 stars). 3 submissions from 3 submitters: Uncertain significance (1). 2 of the submissions do not count toward it. Last evaluated 2022-06-29.

gnomAD v4.1: 8 of 1,613,978 alleles (0.0005%); no homozygotes.

Submissions (3):

Labcorp Genetics (formerly Invitae), Labcorp
Classification: Uncertain significance. Last evaluated: 2022-06-29. Review status: criteria provided, single submitter. Criteria: Invitae Variant Classification Sherloc (09022015). Collection method: clinical testing. Allele origin: germline.
Comment: This sequence change replaces aspartic acid, which is acidic and polar, with valine, which is neutral and non-polar, at codon 507 of the CNGA3 protein (p.Asp507Val). The frequency data for this variant in the population databases is considered unreliable, as metrics indicate poor data quality at this position in the gnomAD database. This variant has not been reported in the literature in individuals affected with CNGA3-related conditions. ClinVar contains an entry for this variant (Variation ID: 1284417). Advanced modeling of protein sequence and biophysical properties (such as structural, functional, and spatial information, amino acid conservation, physicochemical variation, residue mobility, and thermodynamic stability) performed at Invitae indicates that this missense variant is expected to disrupt CNGA3 protein function. In summary, the available evidence is currently insufficient to determine the role of this variant in disease. Therefore, it has been classified as a Variant of Uncertain Significance.

Clinical Genetics DNA and cytogenetics Diagnostics Lab, Erasmus MC, Erasmus Medical Center
Classification: Uncertain significance. Review status: no assertion criteria provided. Collection method: clinical testing. Allele origin: germline. Affected: yes. Study: VKGL Data-share Consensus. Not counted in ClinVar's aggregate classification.

Clinical Genetics, Academic Medical Center
Classification: Uncertain significance. Review status: no assertion criteria provided. Collection method: clinical testing. Allele origin: germline. Affected: yes. Study: VKGL Data-share Consensus. Not counted in ClinVar's aggregate classification.